The following is an entry in ClinVar:

ClinVar aggregate classification (germline): Uncertain significance (1 of 4 stars; one submission).

Conditions:
Hypertrophic cardiomyopathy. Also called: HYPERTROPHIC MYOCARDIOPATHY. Identifiers: Orphanet 217569, MedGen C0007194, MeSH D002312, MONDO:0005045, HP:0001639.

gnomAD v4.1: 1 of 1,612,682 alleles (0.000062%); highest among the groups gnomAD compares: Non-Finnish European, 0.000085%; no homozygotes.

Submission:

Labcorp Genetics (formerly Invitae), Labcorp
Classification: Uncertain significance for Hypertrophic cardiomyopathy. Last evaluated: 2024-07-08. Review status: criteria provided, single submitter. Criteria: Invitae Variant Classification Sherloc (09022015). Collection method: clinical testing. Allele origin: germline.
Comment: This sequence change replaces serine, which is neutral and polar, with phenylalanine, which is neutral and non-polar, at codon 1023 of the MYOM1 protein (p.Ser1023Phe). This variant is not present in population databases (gnomAD no frequency). This variant has not been reported in the literature in individuals affected with MYOM1-related conditions. Advanced modeling of protein sequence and biophysical properties (such as structural, functional, and spatial information, amino acid conservation, physicochemical variation, residue mobility, and thermodynamic stability) has been performed at Invitae for this missense variant, however the output from this modeling did not meet the statistical confidence thresholds required to predict the impact of this variant on MYOM1 protein function. In summary, the available evidence is currently insufficient to determine the role of this variant in disease. Therefore, it has been classified as a Variant of Uncertain Significance.

NM_003803.4(MYOM1):c.3068C>T (p.Ser1023Phe)

Gene: MYOM1 (myomesin 1; minus strand). Cytogenetic location: 18p11.31.
Variant type: single nucleotide variant.
Coding change: c.3068C>T on transcript NM_003803.4 (MANE Select); coding-DNA position 3068, C replaced by T.
Protein change: p.Ser1023Phe; replaces serine 1023 with phenylalanine.
Molecular consequence: missense variant.
Genome position (GRCh38, 1-based): chr18:3,119,919, G>A on the plus strand (C>T on the coding strand, the complement: MYOM1 is on the minus strand). VCF-style: chr18-3119919-G-A. GRCh37 (hg19) VCF-style: chr18-3119917-G-A.
Other names: c.2780C>T, p.Ser927Phe (NM_019856.2); short protein forms S1023F, S927F.
Identifiers: ClinVar variation 3658986 (VCV003658986.2).